The following is an entry in ClinVar:

NM_033305.3(VPS13A):c.623G>A (p.Arg208Gln)

Gene: VPS13A (vacuolar protein sorting 13 homolog A; plus strand). Cytogenetic location: 9q21.2.
Variant type: single nucleotide variant.
Coding change: c.623G>A on transcript NM_033305.3 (MANE Select); coding-DNA position 623, G replaced by A.
Protein change: p.Arg208Gln; replaces arginine 208 with glutamine.
Molecular consequence: missense variant.
Genome position (GRCh38, 1-based): chr9:77,213,241, G>A. VCF-style: chr9-77213241-G-A. GRCh37 (hg19) VCF-style: chr9-79828157-G-A.
Other names: c.623G>A, p.Arg208Gln (NM_001018037.2, NM_001018038.3, NM_015186.4); short protein forms R208Q.
Identifiers: ClinVar variation 915061 (VCV000915061.6), dbSNP rs201208791, ClinGen allele CA5091427.

ClinVar aggregate classification (germline): Uncertain significance. Review status: criteria provided, multiple submitters, no conflicts (2 of 4 stars). 3 submissions from 3 submitters: Uncertain significance (3). Last evaluated 2023-04-16.

Conditions:
VPS13A-related neurodegenerative disease. Also called: VPS13A Disease; Choreaacanthocytosis; Chorea-acanthocytosis; LEVINE-CRITCHLEY SYNDROME; Choreoacanthocytosis; ACANTHOCYTOSIS WITH NEUROLOGIC DISORDER. Identifiers: Orphanet 2388, MedGen C0393576, MONDO:0008695, OMIM 200150.

Allele frequency attached by ClinVar (database versions not stated): gnomAD 0.00003; TOPMed 0.00008; gnomAD exomes 0.00011 and 0.00022; ExAC 0.00022.
gnomAD v4.1: 158 of 1,613,086 alleles (0.0098%); highest among the groups gnomAD compares: East Asian, 0.28%; 1 homozygote.

Submissions (3):

GeneDx
Classification: Uncertain significance. Last evaluated: 2023-04-16. Review status: criteria provided, single submitter. Criteria: GeneDx Variant Classification Process June 2021. Collection method: clinical testing. Allele origin: germline. Affected: yes.
Comment: Observed as heterozygous variant in individual with a mood disorder in the published literature (Shimo et al., 2011); In silico analysis supports that this missense variant does not alter protein structure/function; This variant is associated with the following publications: (PMID: 21145924)

Labcorp Genetics (formerly Invitae), Labcorp
Classification: Uncertain significance. Last evaluated: 2022-09-12. Review status: criteria provided, single submitter. Criteria: Invitae Variant Classification Sherloc (09022015). Collection method: clinical testing. Allele origin: germline.
Comment: This sequence change replaces arginine, which is basic and polar, with glutamine, which is neutral and polar, at codon 208 of the VPS13A protein (p.Arg208Gln). This variant is present in population databases (rs201208791, gnomAD 0.2%). This variant has not been reported in the literature in individuals affected with VPS13A-related conditions. ClinVar contains an entry for this variant (Variation ID: 915061). Algorithms developed to predict the effect of missense changes on protein structure and function output the following: SIFT: "Tolerated"; PolyPhen-2: "Benign"; Align-GVGD: "Class C0". The glutamine amino acid residue is found in multiple mammalian species, which suggests that this missense change does not adversely affect protein function. In summary, the available evidence is currently insufficient to determine the role of this variant in disease. Therefore, it has been classified as a Variant of Uncertain Significance.

Illumina Laboratory Services, Illumina
Classification: Uncertain significance for VPS13A-related neurodegenerative disease. Last evaluated: 2018-01-13. Review status: criteria provided, single submitter. Criteria: ICSL Variant Classification Criteria 13 December 2019. Collection method: clinical testing. Allele origin: germline.